The following is an entry in ClinVar:

NM_000238.4(KCNH2):c.2422C>G (p.Pro808Ala)

Gene: KCNH2 (potassium voltage-gated channel subfamily H member 2; minus strand). Cytogenetic location: 7q36.1.
Variant type: single nucleotide variant.
Coding change: c.2422C>G on transcript NM_000238.4 (MANE Select); coding-DNA position 2422, C replaced by G.
Protein change: p.Pro808Ala; replaces proline 808 with alanine.
Molecular consequence: missense variant. On other transcripts: non-coding transcript variant (2).
Genome position (GRCh38, 1-based): chr7:150,949,026, G>C on the plus strand (C>G on the coding strand, the complement: KCNH2 is on the minus strand). VCF-style: chr7-150949026-G-C. GRCh37 (hg19) VCF-style: chr7-150646114-G-C.
Other names: c.2134C>G, p.Pro712Ala (NM_001406753.1); c.1402C>G, p.Pro468Ala (NM_172057.3); short protein forms P468A, P712A, P808A.
Identifiers: ClinVar variation 3700655 (VCV003700655.2).
Genomic context (GRCh38, chr7:150,949,026, plus strand): 5'-AGTAGGTGAGGGCCCGCACATCCCCGTTCGACTTGCCAGGCCTTGCATACAGGTTCAGAG[G>C]CTCCCCAAAGATGTCATTCTTCCCTGGAGGCCATGGAGAGGACAGGGAGCTCAGCCCCGG-3'
Protein context (NP_000229.1, residues 798-818): ILGKNDIFGE[Pro808Ala]LNLYARPGKS

ClinVar aggregate classification (germline): Uncertain significance (1 of 4 stars; one submission).

Conditions:
Long QT syndrome (LQTS). Identifiers: MedGen C0023976, MeSH D008133, MONDO:0002442. Disease mechanism: loss of function. Inheritance: Various modes of inheritance.

Submission:

Labcorp Genetics (formerly Invitae), Labcorp
Classification: Uncertain significance for Long QT syndrome. Last evaluated: 2024-05-12. Review status: criteria provided, single submitter. Criteria: Invitae Variant Classification Sherloc (09022015). Collection method: clinical testing. Allele origin: germline.
Comment: This sequence change replaces proline, which is neutral and non-polar, with alanine, which is neutral and non-polar, at codon 808 of the KCNH2 protein (p.Pro808Ala). This variant is not present in population databases (gnomAD no frequency). This variant has not been reported in the literature in individuals affected with KCNH2-related conditions. An algorithm developed to predict the effect of missense changes on protein structure and function (PolyPhen-2) suggests that this variant is likely to be disruptive. In summary, the available evidence is currently insufficient to determine the role of this variant in disease. Therefore, it has been classified as a Variant of Uncertain Significance.